The following is an entry in ClinVar:

NM_001734.5(C1S):c.1761A>T (p.Leu587Phe)

Gene: C1S (complement C1s; plus strand). Cytogenetic location: 12p13.31.
Variant type: single nucleotide variant.
Coding change: c.1761A>T on transcript NM_001734.5 (MANE Select); coding-DNA position 1761, A replaced by T.
Protein change: p.Leu587Phe; replaces leucine 587 with phenylalanine.
Molecular consequence: missense variant.
Genome position (GRCh38, 1-based): chr12:7,070,345, A>T. VCF-style: chr12-7070345-A-T. GRCh37 (hg19) VCF-style: chr12-7177649-A-T.
Other names: c.1761A>T, p.Leu587Phe (NM_201442.4); c.1260A>T, p.Leu420Phe (NM_001346850.2); short protein forms L420F, L587F.
Identifiers: ClinVar variation 2890766 (VCV002890766.3), dbSNP rs782217397, ClinGen allele CA6423841.

ClinVar aggregate classification (germline): Uncertain significance (1 of 4 stars; one submission).

Allele frequency attached by ClinVar (database versions not stated): gnomAD 0.00001; gnomAD exomes 0.00001; TOPMed 0.00003; ExAC 0.00004.
gnomAD v4.1: 7 of 1,614,158 alleles (0.00043%); highest among the groups gnomAD compares: Admixed American, 0.012%; no homozygotes.

Submission:

Labcorp Genetics (formerly Invitae), Labcorp
Classification: Uncertain significance. Last evaluated: 2025-08-11. Review status: criteria provided, single submitter. Criteria: Invitae Variant Classification Sherloc (09022015). Collection method: clinical testing. Allele origin: germline.
Comment: This sequence change replaces leucine, which is neutral and non-polar, with phenylalanine, which is neutral and non-polar, at codon 587 of the C1S protein (p.Leu587Phe). This variant is present in population databases (rs782217397, gnomAD 0.02%). This variant has not been reported in the literature in individuals affected with C1S-related conditions. ClinVar contains an entry for this variant (Variation ID: 2890766). Invitae Evidence Modeling of protein sequence and biophysical properties (such as structural, functional, and spatial information, amino acid conservation, physicochemical variation, residue mobility, and thermodynamic stability) indicates that this missense variant is expected to disrupt C1S protein function with a positive predictive value of 80%. In summary, the available evidence is currently insufficient to determine the role of this variant in disease. Therefore, it has been classified as a Variant of Uncertain Significance.